The following is an entry in ClinVar:

NM_004963.4(GUCY2C):c.1391G>T (p.Arg464Leu)

Gene: GUCY2C (guanylate cyclase 2C; minus strand). Cytogenetic location: 12p12.3.
Variant type: single nucleotide variant.
Coding change: c.1391G>T on transcript NM_004963.4 (MANE Select); coding-DNA position 1391, G replaced by T.
Protein change: p.Arg464Leu; replaces arginine 464 with leucine.
Molecular consequence: missense variant.
Genome position (GRCh38, 1-based): chr12:14,656,591, C>A on the plus strand (G>T on the coding strand, the complement: GUCY2C is on the minus strand). VCF-style: chr12-14656591-C-A. GRCh37 (hg19) VCF-style: chr12-14809525-C-A.
Other names: short protein forms R464L.
Identifiers: ClinVar variation 3625384 (VCV003625384.2).

ClinVar aggregate classification (germline): Uncertain significance (1 of 4 stars; one submission).

gnomAD v4.1: 1 of 1,584,510 alleles (0.000063%); highest among the groups gnomAD compares: East Asian, 0.0022%; no homozygotes.

Submission:

Labcorp Genetics (formerly Invitae), Labcorp
Classification: Uncertain significance. Last evaluated: 2025-02-02. Review status: criteria provided, single submitter. Criteria: Invitae Variant Classification Sherloc (09022015). Collection method: clinical testing. Allele origin: germline.
Comment: This sequence change replaces arginine, which is basic and polar, with leucine, which is neutral and non-polar, at codon 464 of the GUCY2C protein (p.Arg464Leu). This variant is not present in population databases (gnomAD no frequency). This variant has not been reported in the literature in individuals affected with GUCY2C-related conditions. Invitae Evidence Modeling of protein sequence and biophysical properties (such as structural, functional, and spatial information, amino acid conservation, physicochemical variation, residue mobility, and thermodynamic stability) indicates that this missense variant is not expected to disrupt GUCY2C protein function with a negative predictive value of 80%. In summary, the available evidence is currently insufficient to determine the role of this variant in disease. Therefore, it has been classified as a Variant of Uncertain Significance.